The following is an entry in ClinVar:

NM_001242.5(CD27):c.539-6T>C

Genes: CD27 (CD27 molecule; plus strand), CD27-AS1 (CD27 antisense RNA 1; minus strand), LOC130007242 (ATAC-STARR-seq lymphoblastoid active region 5859; plus strand). Cytogenetic location: 12p13.31.
Variant type: single nucleotide variant.
Coding change: c.539-6T>C on transcript NM_001242.5 (MANE Select); 6 bases into the intron before coding-DNA position 539, T replaced by C.
Molecular consequence: intron variant. On other transcripts: non-coding transcript variant (1).
Genome position (GRCh38, 1-based): chr12:6,450,889, T>C. VCF-style: chr12-6450889-T-C. GRCh37 (hg19) VCF-style: chr12-6560055-T-C.
Identifiers: ClinVar variation 724198 (VCV000724198.17), dbSNP rs202127301, ClinGen allele CA6407034.

ClinVar aggregate classification (germline): Conflicting classifications of pathogenicity. Review status: criteria provided, conflicting classifications (1 of 4 stars). 4 submissions from 4 submitters: Uncertain significance (1); Benign (1); Likely benign (1). 1 of the submissions does not count toward it. Last evaluated 2025-12-20.

Conditions:
CD27-related disorder. Also called: CD27-related condition.
Autoinflammatory syndrome. Identifiers: Orphanet 93665, MedGen C3890737, MONDO:0019751.
Lymphoproliferative syndrome 2 (LPFS2). Also called: Combined immunodeficiency due to CD27 deficiency; CD27 DEFICIENCY. Identifiers: Orphanet 238505, MedGen C3554540, MONDO:0014054, OMIM 615122.

Allele frequency attached by ClinVar (database versions not stated): gnomAD exomes 0.00007 and 0.00021; ExAC 0.00029; ESP Exome Variant Server 0.00077; 1000 Genomes Project 30x 0.00078; gnomAD 0.00080 and 0.00086; TOPMed 0.00094; 1000 Genomes Project 0.00100.

Submissions (4):

Labcorp Genetics (formerly Invitae), Labcorp
Classification: Benign for Lymphoproliferative syndrome 2. Last evaluated: 2025-12-20. Review status: criteria provided, single submitter. Criteria: Invitae Variant Classification Sherloc (09022015). Collection method: clinical testing. Allele origin: germline.

Blueprint Genetics
Classification: Likely benign. Last evaluated: 2024-09-18. Review status: criteria provided, single submitter. Criteria: ACMG Guidelines, 2015. Collection method: clinical testing. Allele origin: germline.

Genome Diagnostics Laboratory, The Hospital for Sick Children
Classification: Uncertain significance for Autoinflammatory syndrome. Last evaluated: 2019-08-01. Review status: criteria provided, single submitter. Criteria: ACMG Guidelines, 2015. Collection method: clinical testing. Allele origin: germline. Affected: yes.

PreventionGenetics, part of Exact Sciences
Classification: Likely benign for CD27-related condition. Last evaluated: 2019-05-10. Review status: no assertion criteria provided. Collection method: clinical testing. Allele origin: germline. Not counted in ClinVar's aggregate classification.
Comment: This variant is classified as likely benign based on ACMG/AMP sequence variant interpretation guidelines (Richards et al. 2015 PMID: 25741868, with internal and published modifications).